The following is an entry in ClinVar:

ClinVar aggregate classification (germline): Uncertain significance. Review status: criteria provided, multiple submitters, no conflicts (2 of 4 stars). 2 submissions from 2 submitters: Uncertain significance (2). Last evaluated 2026-02-20.

Submissions (2):

GeneDx
Classification: Uncertain significance. Last evaluated: 2026-02-20. Review status: criteria provided, single submitter. Criteria: GeneDx Variant Classification Process June 2021. Collection method: clinical testing. Allele origin: germline.
Comment: Not observed at significant frequency in large population cohorts (gnomAD); Missense variants in this gene are a common cause of disease and they are underrepresented in the general population; In silico analysis supports that this missense variant has a deleterious effect on protein structure/function; Has not been previously published as pathogenic or benign to our knowledge; This variant is associated with the following publications: (PMID: 29493581)

Blueprint Genetics
Classification: Uncertain significance. Last evaluated: 2024-02-08. Review status: criteria provided, single submitter. Criteria: ACMG Guidelines, 2015. Collection method: clinical testing. Allele origin: germline.

NM_005633.4(SOS1):c.1520C>T (p.Thr507Ile)

Gene: SOS1 (SOS Ras/Rac guanine nucleotide exchange factor 1; minus strand). Cytogenetic location: 2p22.1.
Variant type: single nucleotide variant.
Coding change: c.1520C>T on transcript NM_005633.4 (MANE Select); coding-DNA position 1520, C replaced by T.
Protein change: p.Thr507Ile; replaces threonine 507 with isoleucine.
Molecular consequence: missense variant.
Genome position (GRCh38, 1-based): chr2:39,022,908, G>A on the plus strand (C>T on the coding strand, the complement: SOS1 is on the minus strand). VCF-style: chr2-39022908-G-A. GRCh37 (hg19) VCF-style: chr2-39250049-G-A.
Other names: c.1499C>T, p.Thr500Ile (NM_001382394.1); c.1520C>T, p.Thr507Ile (NM_001382395.1); short protein forms T500I, T507I.
Identifiers: ClinVar variation 4954713 (VCV004954713.2).